The following is an entry in ClinVar:

NM_020872.3(CNTN3):c.1945+7C>T

Gene: CNTN3 (contactin 3; minus strand). Cytogenetic location: 3p12.3.
Variant type: single nucleotide variant.
Coding change: c.1945+7C>T on transcript NM_020872.3 (MANE Select); 7 bases into the intron after coding-DNA position 1945, C replaced by T.
Molecular consequence: intron variant.
Genome position (GRCh38, 1-based): chr3:74,301,640, G>A on the plus strand (C>T on the coding strand, the complement: CNTN3 is on the minus strand). VCF-style: chr3-74301640-G-A. GRCh37 (hg19) VCF-style: chr3-74350791-G-A.
Other names: c.1945+7C>T (NM_001393376.1).
Identifiers: ClinVar variation 3045087 (VCV003045087.2), dbSNP rs150713791, ClinGen allele CA2495096.
Genomic context (GRCh38, chr3:74,301,640, plus strand): 5'-CCTGCTTTAGCATTGACTTGAAATCCATTTATATGTGTGCAGATGACATCTGCCTCTCCT[G>A]CTTTACCTGTTGTGACGGTTTGCCAACCCACGGAGAAAGGTGTCCGAGCCTGGATAGAAT-3'

ClinVar aggregate classification (germline): Likely benign (0 of 4 stars; one submission).

Conditions:
CNTN3-related disorder. Also called: CNTN3-related condition.

Allele frequency attached by ClinVar (database versions not stated): 1000 Genomes Project 30x 0.00219; 1000 Genomes Project 0.00280; ESP Exome Variant Server 0.00446.
gnomAD v4.1: 1,017 of 1,613,860 alleles (0.063%); highest among the groups gnomAD compares: African/African-American, 1.2%; 8 homozygotes.

Submission:

PreventionGenetics, part of Exact Sciences
Classification: Likely benign for CNTN3-related condition. Last evaluated: 2023-06-05. Review status: no assertion criteria provided. Collection method: clinical testing. Allele origin: germline.
Comment: This variant is classified as likely benign based on ACMG/AMP sequence variant interpretation guidelines (Richards et al. 2015 PMID: 25741868, with internal and published modifications).